The following is an entry in ClinVar:

ClinVar aggregate classification (germline): Pathogenic (1 of 4 stars; one submission).

Submission:

Labcorp Genetics (formerly Invitae), Labcorp
Classification: Pathogenic. Last evaluated: 2025-03-17. Review status: criteria provided, single submitter. Criteria: Invitae Variant Classification Sherloc (09022015). Collection method: clinical testing. Allele origin: germline.
Comment: This sequence change creates a premature translational stop signal (p.Leu266Alafs*6) in the GNAS gene. It is expected to result in an absent or disrupted protein product. Loss-of-function variants in GNAS are known to be pathogenic (PMID: 11784876, 23281139, 23796510, 25802881). This variant is not present in population databases (gnomAD no frequency). This variant has not been reported in the literature in individuals affected with GNAS-related conditions. ClinVar contains an entry for this variant (Variation ID: 2752531). For these reasons, this variant has been classified as Pathogenic.

Literature cited by the submitters: PubMed 11784876; PubMed 23281139; PubMed 23796510; PubMed 25802881.

NM_000516.7(GNAS):c.794_795dup (p.Leu266fs)

Gene: GNAS (GNAS complex locus; plus strand). Cytogenetic location: 20q13.32.
Variant type: Duplication.
Coding change: c.794_795dup on transcript NM_000516.7 (MANE Select); coding-DNA positions 794 to 795, 2 bases duplicated (GC; older notation c.794_795dupGC).
Protein change: p.Leu266fs; shifts the reading frame from leucine 266.
Molecular consequence: frameshift variant. On other transcripts: 3 prime UTR variant (2).
Genome position (GRCh38, 1-based): chr20:58,909,759-58,909,760, GC duplicated; duplicating any 2 consecutive bases within chr20:58,909,758-58,909,760 gives the same sequence; the c. name uses the placement nearest the transcript's 3' end. VCF-style (leftmost placement, unchanged base first): chr20-58909757-C-CCG. GRCh37 (hg19) VCF-style: chr20-57484812-C-CCG.
Other names: c.797_798dup, p.Leu267fs (NM_001077488.5); c.749_750dup, p.Leu251fs (NM_001077489.4); c.*655_*656dup (NM_001077490.3); c.617_618dup, p.Leu207fs (NM_001309840.2, NM_001309861.2); c.698_699dup, p.Leu234fs (NM_001410912.1); c.2678_2679dup, p.Leu894fs (NM_001410913.1); c.*700_*701dup (NM_016592.5); c.2723_2724dup, p.Leu909fs (NM_080425.4); and 1 more; short protein forms L252fs, L909fs, L234fs, L266fs, L894fs, L207fs, L251fs, L267fs.
Identifiers: ClinVar variation 2752531 (VCV002752531.3), dbSNP rs2517260777, ClinGen allele CA2697547436.